The following is an entry in ClinVar:

NM_015346.4(ZFYVE26):c.6973G>A (p.Ala2325Thr)

Gene: ZFYVE26 (zinc finger FYVE-type containing 26; minus strand). Cytogenetic location: 14q24.1.
Variant type: single nucleotide variant.
Coding change: c.6973G>A on transcript NM_015346.4 (MANE Select); coding-DNA position 6973, G replaced by A.
Protein change: p.Ala2325Thr; replaces alanine 2325 with threonine.
Molecular consequence: missense variant.
Genome position (GRCh38, 1-based): chr14:67,755,064, C>T on the plus strand (G>A on the coding strand, the complement: ZFYVE26 is on the minus strand). VCF-style: chr14-67755064-C-T. GRCh37 (hg19) VCF-style: chr14-68221781-C-T.
Other names: short protein forms A2325T.
Identifiers: ClinVar variation 807131 (VCV000807131.49), dbSNP rs763267244, ClinGen allele CA7239103.

ClinVar aggregate classification (germline): Uncertain significance. Review status: criteria provided, multiple submitters, no conflicts (2 of 4 stars). 4 submissions from 4 submitters: Uncertain significance (4). Last evaluated 2023-02-01.

Conditions:
Hereditary spastic paraplegia. Also called: Familial spastic paraparesis. Identifiers: Orphanet 685, MedGen C0037773, MONDO:0019064. Disease mechanism: loss of function.
Inborn genetic diseases. Identifiers: MedGen C0950123, MeSH D030342.

Allele frequency attached by ClinVar (database versions not stated): gnomAD exomes 0.00001 and 0.00002; gnomAD 0.00002; ExAC 0.00003; TOPMed 0.00004.
gnomAD v4.1: 23 of 1,613,948 alleles (0.0014%); highest among the groups gnomAD compares: Non-Finnish European, 0.0018%; no homozygotes.

Submissions (4):

Ambry Genetics
Classification: Uncertain significance for Inborn genetic diseases. Last evaluated: 2023-02-01. Review status: criteria provided, single submitter. Criteria: Ambry Variant Classification Scheme 2023. Collection method: clinical testing. Allele origin: germline.

Genome Diagnostics Laboratory, The Hospital for Sick Children
Classification: Uncertain significance for Hereditary spastic paraplegia. Last evaluated: 2021-11-16. Review status: criteria provided, single submitter. Criteria: ACMG Guidelines, 2015. Collection method: clinical testing. Allele origin: germline. Affected: yes.

GeneDx
Classification: Uncertain significance. Last evaluated: 2021-06-04. Review status: criteria provided, single submitter. Criteria: GeneDx Variant Classification Process June 2021. Collection method: clinical testing. Allele origin: germline. Affected: yes.
Comment: Not observed at significant frequency in large population cohorts (Lek et al., 2016); In silico analysis supports that this missense variant does not alter protein structure/function; Has not been previously published as pathogenic or benign to our knowledge; This variant is associated with the following publications: (PMID: 18394578, 20208530, 19805727, 24030950, 27535533)

CeGaT Center for Human Genetics Tuebingen
Classification: Uncertain significance. Last evaluated: 2016-06-01. Review status: criteria provided, single submitter. Criteria: CeGaT Center For Human Genetics Tuebingen Variant Classification Criteria Version 2. Collection method: clinical testing. Allele origin: germline. Affected: yes. Observed: 1 variant allele.